The following is an entry in ClinVar:

ClinVar aggregate classification (germline): Uncertain significance (1 of 4 stars; one submission).

gnomAD v4.1: 1 of 1,603,734 alleles (0.000062%); highest among the groups gnomAD compares: Non-Finnish European, 0.000085%; no homozygotes.

Submission:

Ambry Genetics
Classification: Uncertain significance. Last evaluated: 2023-02-23. Review status: criteria provided, single submitter. Criteria: Ambry Variant Classification Scheme 2023. Collection method: clinical testing. Allele origin: germline.
Comment: The p.Q638K variant (also known as c.1912C>A), located in coding exon 18 of the PRKDC gene, results from a C to A substitution at nucleotide position 1912. The glutamine at codon 638 is replaced by lysine, an amino acid with similar properties. This amino acid position is conserved. In addition, this alteration is predicted to be tolerated by in silico analysis. Since supporting evidence is limited at this time, the clinical significance of this alteration remains unclear.

NM_006904.7(PRKDC):c.1912C>A (p.Gln638Lys)

Gene: PRKDC (protein kinase, DNA-activated, catalytic subunit; minus strand). Cytogenetic location: 8q11.21.
Variant type: single nucleotide variant.
Coding change: c.1912C>A on transcript NM_006904.7 (MANE Select); coding-DNA position 1912, C replaced by A.
Protein change: p.Gln638Lys; replaces glutamine 638 with lysine.
Molecular consequence: missense variant.
Genome position (GRCh38, 1-based): chr8:47,929,993, G>T on the plus strand (C>A on the coding strand, the complement: PRKDC is on the minus strand). VCF-style: chr8-47929993-G-T. GRCh37 (hg19) VCF-style: chr8-48842553-G-T.
Other names: c.1912C>A, p.Gln638Lys (NM_001081640.2); short protein forms Q638K.
Identifiers: ClinVar variation 2449891 (VCV002449891.2), dbSNP rs2551878643, ClinGen allele CA371164431.